The following is an entry in ClinVar:

ClinVar aggregate classification (germline): Uncertain significance. Review status: criteria provided, multiple submitters, no conflicts (2 of 4 stars). 2 submissions from 2 submitters: Uncertain significance (2). Last evaluated 2024-06-07.

Allele frequency attached by ClinVar (database versions not stated): gnomAD 0.00001; TOPMed 0.00001.
gnomAD v4.1: 3 of 1,612,482 alleles (0.00019%); highest among the groups gnomAD compares: Non-Finnish European, 0.00025%; no homozygotes.

Submissions (2):

Ambry Genetics
Classification: Uncertain significance. Last evaluated: 2024-06-07. Review status: criteria provided, single submitter. Criteria: Ambry Variant Classification Scheme 2023. Collection method: clinical testing. Allele origin: germline.

Labcorp Genetics (formerly Invitae), Labcorp
Classification: Uncertain significance. Last evaluated: 2022-03-28. Review status: criteria provided, single submitter. Criteria: Invitae Variant Classification Sherloc (09022015). Collection method: clinical testing. Allele origin: germline.
Comment: This variant is not present in population databases (gnomAD no frequency). This sequence change replaces glutamic acid, which is acidic and polar, with aspartic acid, which is acidic and polar, at codon 278 of the MRPS2 protein (p.Glu278Asp). This variant has not been reported in the literature in individuals affected with MRPS2-related conditions. In summary, the available evidence is currently insufficient to determine the role of this variant in disease. Therefore, it has been classified as a Variant of Uncertain Significance. Algorithms developed to predict the effect of missense changes on protein structure and function (SIFT, PolyPhen-2, Align-GVGD) all suggest that this variant is likely to be tolerated.

NM_016034.5(MRPS2):c.834G>T (p.Glu278Asp)

Genes: MRPS2 (mitochondrial ribosomal protein S2; plus strand), LOC101928525 (uncharacterized LOC101928525; minus strand). Cytogenetic location: 9q34.3.
Variant type: single nucleotide variant.
Coding change: c.834G>T on transcript NM_016034.5 (MANE Select); coding-DNA position 834, G replaced by T.
Protein change: p.Glu278Asp; replaces glutamic acid 278 with aspartic acid.
Molecular consequence: missense variant. On other transcripts: non-coding transcript variant (4).
Genome position (GRCh38, 1-based): chr9:135,504,076, G>T. VCF-style: chr9-135504076-G-T. GRCh37 (hg19) VCF-style: chr9-138395922-G-T.
Other names: c.834G>T (NM_016034.3); c.834G>T, p.Glu278Asp (NM_001371401.1); short protein forms E278D.
Identifiers: ClinVar variation 1979546 (VCV001979546.5), dbSNP rs988558902, ClinGen allele CA375485940.